The following is an entry in ClinVar:

NM_001369369.1(FOXN1):c.80T>C (p.Leu27Pro)

Gene: FOXN1 (forkhead box N1; plus strand). Cytogenetic location: 17q11.2.
Variant type: single nucleotide variant.
Coding change: c.80T>C on transcript NM_001369369.1 (MANE Select); coding-DNA position 80, T replaced by C.
Protein change: p.Leu27Pro; replaces leucine 27 with proline.
Molecular consequence: missense variant.
Genome position (GRCh38, 1-based): chr17:28,524,049, T>C. VCF-style: chr17-28524049-T-C. GRCh37 (hg19) VCF-style: chr17-26851067-T-C.
Other names: c.80T>C, p.Leu27Pro (NM_003593.3); short protein forms L27P.
Identifiers: ClinVar variation 2011651 (VCV002011651.4), dbSNP rs1439529407, ClinGen allele CA398320247.

ClinVar aggregate classification (germline): Uncertain significance (1 of 4 stars; one submission).

Conditions:
T-cell immunodeficiency, congenital alopecia, and nail dystrophy. Also called: Congenital alopecia and nail dystrophy associated with severe functional T-cell immunodeficiency; Pignata Guarino syndrome. Identifiers: Orphanet 169095, MedGen C1866426, MONDO:0011132, OMIM 601705.

gnomAD v4.1: 3 of 1,611,372 alleles (0.00019%); highest among the groups gnomAD compares: Non-Finnish European, 0.00025%; no homozygotes.

Submission:

Labcorp Genetics (formerly Invitae), Labcorp
Classification: Uncertain significance for T-cell immunodeficiency, congenital alopecia, and nail dystrophy. Last evaluated: 2024-02-11. Review status: criteria provided, single submitter. Criteria: Invitae Variant Classification Sherloc (09022015). Collection method: clinical testing. Allele origin: germline.
Comment: This sequence change replaces leucine, which is neutral and non-polar, with proline, which is neutral and non-polar, at codon 27 of the FOXN1 protein (p.Leu27Pro). This variant is not present in population databases (gnomAD no frequency). This variant has not been reported in the literature in individuals affected with FOXN1-related conditions. ClinVar contains an entry for this variant (Variation ID: 2011651). An algorithm developed to predict the effect of missense changes on protein structure and function (PolyPhen-2) suggests that this variant is likely to be tolerated. In summary, the available evidence is currently insufficient to determine the role of this variant in disease. Therefore, it has been classified as a Variant of Uncertain Significance.